The following is an entry in ClinVar:

ClinVar aggregate classification (germline): Uncertain significance (1 of 4 stars; one submission).

Conditions:
L-2-hydroxyglutaric aciduria (L2HGA). Identifiers: Orphanet 79314, MedGen C1855995, MONDO:0009370, OMIM 236792, HP:0040144.

Allele frequency attached by ClinVar (database versions not stated): gnomAD exomes below 0.00001.
gnomAD v4.1: 1 of 1,612,680 alleles (0.000062%); highest among the groups gnomAD compares: Admixed American, 0.0017%; no homozygotes.

Submission:

Labcorp Genetics (formerly Invitae), Labcorp
Classification: Uncertain significance for L-2-hydroxyglutaric aciduria. Last evaluated: 2021-09-19. Review status: criteria provided, single submitter. Criteria: Invitae Variant Classification Sherloc (09022015). Collection method: clinical testing. Allele origin: germline.
Comment: This sequence change replaces glycine with serine at codon 56 of the L2HGDH protein (p.Gly56Ser). The glycine residue is highly conserved and there is a small physicochemical difference between glycine and serine. This variant is not present in population databases (ExAC no frequency). This variant has not been reported in the literature in individuals affected with L2HGDH-related conditions. Algorithms developed to predict the effect of missense changes on protein structure and function are either unavailable or do not agree on the potential impact of this missense change (SIFT: "Tolerated"; PolyPhen-2: "Probably Damaging"; Align-GVGD: "Class C0"). In summary, the available evidence is currently insufficient to determine the role of this variant in disease. Therefore, it has been classified as a Variant of Uncertain Significance.

NM_024884.3(L2HGDH):c.166G>A (p.Gly56Ser)

Gene: L2HGDH (L-2-hydroxyglutarate dehydrogenase; minus strand). Cytogenetic location: 14q21.3.
Variant type: single nucleotide variant.
Coding change: c.166G>A on transcript NM_024884.3 (MANE Select); coding-DNA position 166, G replaced by A.
Protein change: p.Gly56Ser; replaces glycine 56 with serine.
Molecular consequence: missense variant.
Genome position (GRCh38, 1-based): chr14:50,302,992, C>T on the plus strand (G>A on the coding strand, the complement: L2HGDH is on the minus strand). VCF-style: chr14-50302992-C-T. GRCh37 (hg19) VCF-style: chr14-50769710-C-T.
Other names: short protein forms G56S.
Identifiers: ClinVar variation 1355152 (VCV001355152.3), dbSNP rs1193487271, ClinGen allele CA389659644.